The following is an entry in ClinVar:

ClinVar aggregate classification (germline): Uncertain significance (1 of 4 stars; one submission).

Conditions:
Brown-Vialetto-van Laere syndrome 2. Also called: SPINOCEREBELLAR ATAXIA WITH BLINDNESS AND DEAFNESS 2; Riboflavin transporter deficiency type 2. Identifiers: Orphanet 572543, Orphanet 97229, MedGen C3553538, MONDO:0013867, OMIM 614707.

Allele frequency attached by ClinVar (database versions not stated): gnomAD exomes below 0.00001.
gnomAD v4.1: 1 of 1,613,536 alleles (0.000062%); highest among the groups gnomAD compares: South Asian, 0.0011%; no homozygotes.

Submission:

Labcorp Genetics (formerly Invitae), Labcorp
Classification: Uncertain significance for Brown-Vialetto-van Laere syndrome 2. Last evaluated: 2021-11-12. Review status: criteria provided, single submitter. Criteria: Invitae Variant Classification Sherloc (09022015). Collection method: clinical testing. Allele origin: germline.
Comment: This sequence change replaces serine, which is neutral and polar, with glycine, which is neutral and non-polar, at codon 428 of the SLC52A2 protein (p.Ser428Gly). In summary, the available evidence is currently insufficient to determine the role of this variant in disease. Therefore, it has been classified as a Variant of Uncertain Significance. Algorithms developed to predict the effect of missense changes on protein structure and function are either unavailable or do not agree on the potential impact of this missense change (SIFT: "Tolerated"; PolyPhen-2: "Probably Damaging"; Align-GVGD: "Class C0"). This variant has not been reported in the literature in individuals affected with SLC52A2-related conditions. This variant is not present in population databases (gnomAD no frequency).

NM_001363118.2(SLC52A2):c.1282A>G (p.Ser428Gly)

Gene: SLC52A2 (solute carrier family 52 member 2; plus strand). Cytogenetic location: 8q24.3.
Variant type: single nucleotide variant.
Coding change: c.1282A>G on transcript NM_001363118.2 (MANE Select); coding-DNA position 1282, A replaced by G.
Protein change: p.Ser428Gly; replaces serine 428 with glycine.
Molecular consequence: missense variant. On other transcripts: non-coding transcript variant (1).
Genome position (GRCh38, 1-based): chr8:144,360,959, A>G. VCF-style: chr8-144360959-A-G. GRCh37 (hg19) VCF-style: chr8-145584619-A-G.
Other names: c.1282A>G, p.Ser428Gly (NM_001253815.2, NM_001253816.2, NM_001363120.2 and 2 more transcripts); c.790A>G, p.Ser264Gly (NM_001363122.2); short protein forms S264G, S428G.
Identifiers: ClinVar variation 1433777 (VCV001433777.6), dbSNP rs2130653128, ClinGen allele CA372630330.
Genomic context (GRCh38, chr8:144,360,959, plus strand): 5'-GCCGGCGTGGCCATCCAGGTGGGCTCTCTGCTCGGCGCTGTTGCTATGTTCCCCCCGACC[A>G]GCATCTATCACGTGTTCCACAGCAGAAAGGACTGTGCAGACCCCTGTGACTCCTGAGCCT-3'
Protein context (NP_001350047.1, residues 418-438): LGAVAMFPPT[Ser428Gly]IYHVFHSRKD